The following is an entry in ClinVar:

ClinVar aggregate classification (germline): Uncertain significance. Review status: criteria provided, multiple submitters, no conflicts (2 of 4 stars). 3 submissions from 3 submitters: Uncertain significance (3). Last evaluated 2024-09-03.

Conditions:
Epileptic encephalopathy. Identifiers: MedGen C0543888, HP:0200134.

Allele frequency attached by ClinVar (database versions not stated): gnomAD 0.00006; gnomAD exomes 0.00006 and 0.00010; TOPMed 0.00006; ExAC 0.00007; 1000 Genomes Project 30x 0.00016; ESP Exome Variant Server 0.00017; 1000 Genomes Project 0.00020.
gnomAD v4.1: 149 of 1,574,552 alleles (0.0095%); highest among the groups gnomAD compares: Non-Finnish European, 0.012%; no homozygotes.

Submissions (3):

Blueprint Genetics
Classification: Uncertain significance. Last evaluated: 2024-09-03. Review status: criteria provided, single submitter. Criteria: ACMG Guidelines, 2015. Collection method: clinical testing. Allele origin: germline.

Ambry Genetics
Classification: Uncertain significance. Last evaluated: 2023-12-27. Review status: criteria provided, single submitter. Criteria: Ambry Variant Classification Scheme 2023. Collection method: clinical testing. Allele origin: germline.

Labcorp Genetics (formerly Invitae), Labcorp
Classification: Uncertain significance for Epileptic encephalopathy. Last evaluated: 2022-02-04. Review status: criteria provided, single submitter. Criteria: Invitae Variant Classification Sherloc (09022015). Collection method: clinical testing. Allele origin: germline.
Comment: In summary, the available evidence is currently insufficient to determine the role of this variant in disease. Therefore, it has been classified as a Variant of Uncertain Significance. Algorithms developed to predict the effect of missense changes on protein structure and function are either unavailable or do not agree on the potential impact of this missense change (SIFT: "Deleterious"; PolyPhen-2: "Possibly Damaging"; Align-GVGD: "Class C0"). ClinVar contains an entry for this variant (Variation ID: 577679). This variant has not been reported in the literature in individuals affected with RYR3-related conditions. This variant is present in population databases (rs377310965, gnomAD 0.01%). This sequence change replaces isoleucine, which is neutral and non-polar, with threonine, which is neutral and polar, at codon 4604 of the RYR3 protein (p.Ile4604Thr).

NM_001036.6(RYR3):c.13811T>C (p.Ile4604Thr)

Genes: AVEN (apoptosis and caspase activation inhibitor; minus strand), RYR3 (ryanodine receptor 3; plus strand). Cytogenetic location: 15q14.
Variant type: single nucleotide variant.
Coding change: c.13811T>C on transcript NM_001036.6 (MANE Select); coding-DNA position 13811, T replaced by C.
Protein change: p.Ile4604Thr; replaces isoleucine 4604 with threonine.
Molecular consequence: missense variant.
Genome position (GRCh38, 1-based): chr15:33,854,400, T>C. VCF-style: chr15-33854400-T-C. GRCh37 (hg19) VCF-style: chr15-34146601-T-C.
Other names: c.13796T>C, p.Ile4599Thr (NM_001243996.4); c.13811T>C (NM_001036.3); short protein forms I4604T, I4599T.
Identifiers: ClinVar variation 577679 (VCV000577679.14), dbSNP rs377310965, ClinGen allele CA7461791.